The following is an entry in ClinVar:

NM_000503.6(EYA1):c.1701C>A (p.His567Gln)

Gene: EYA1 (EYA transcriptional coactivator and phosphatase 1; minus strand). Cytogenetic location: 8q13.3.
Variant type: single nucleotide variant.
Coding change: c.1701C>A on transcript NM_000503.6 (MANE Select); coding-DNA position 1701, C replaced by A.
Protein change: p.His567Gln; replaces histidine 567 with glutamine.
Molecular consequence: missense variant.
Genome position (GRCh38, 1-based): chr8:71,199,418, G>T on the plus strand (C>A on the coding strand, the complement: EYA1 is on the minus strand). VCF-style: chr8-71199418-G-T. GRCh37 (hg19) VCF-style: chr8-72111653-G-T.
Other names: c.1683C>A, p.His561Gln (NM_001288574.2, NM_172059.5); c.1335C>A, p.His445Gln (NM_001288575.2); c.1788C>A, p.His596Gln (NM_001370333.1); c.1701C>A, p.His567Gln (NM_001370334.1, NM_001370335.1, NM_172058.4); c.1680C>A, p.His560Gln (NM_001370336.1); short protein forms H560Q, H596Q, H445Q, H567Q, H561Q.
Identifiers: ClinVar variation 908645 (VCV000908645.4), dbSNP rs763080811, ClinGen allele CA4779377.

ClinVar aggregate classification (germline): Likely benign. Review status: criteria provided, single submitter (1 of 4 stars). 2 submissions from 1 submitter: Likely benign (2). Last evaluated 2018-01-13.

Conditions:
Branchiootic syndrome 1 (BOS1). Also called: BO SYNDROME 1; BRANCHIOOTIC DYSPLASIA. Identifiers: MedGen C1865143, MONDO:0011258, OMIM 602588.
Otofaciocervical syndrome 1 (OTFCS). Identifiers: MedGen C3714941, MONDO:0024532, OMIM 166780.

gnomAD v4.1: 9 of 1,611,580 alleles (0.00056%); highest among the groups gnomAD compares: South Asian, 0.0011%; no homozygotes.

Submissions (2):

Illumina Laboratory Services, Illumina
Classification: Likely benign for Otofaciocervical syndrome 1. Last evaluated: 2018-01-13. Review status: criteria provided, single submitter. Criteria: ICSL Variant Classification Criteria 13 December 2019. Collection method: clinical testing. Allele origin: germline.
Comment: This variant was observed in the ICSL laboratory as part of a predisposition screen in an ostensibly healthy population. It had not been previously curated by ICSL or reported in the Human Gene Mutation Database (HGMD: prior to June 1st, 2018), and was therefore a candidate for classification through an automated scoring system. Utilizing variant allele frequency, disease prevalence and penetrance estimates, and inheritance mode, an automated score was calculated to assess if this variant is too frequent to cause the disease. Based on the score and internal cut-off values, a variant classified as likely benign is not then subjected to further curation. The score for this variant resulted in a classification of likely benign for this disease.

Illumina Laboratory Services, Illumina
Classification: Likely benign for Branchiootic syndrome. Last evaluated: 2018-01-13. Review status: criteria provided, single submitter. Criteria: ICSL Variant Classification Criteria 13 December 2019. Collection method: clinical testing. Allele origin: germline.
Comment: the same text as in the submission from Illumina Laboratory Services, Illumina above.